The following is an entry in ClinVar:

NM_000264.5(PTCH1):c.1426C>A (p.Leu476Met)

Gene: PTCH1 (patched 1; minus strand). Cytogenetic location: 9q22.32.
Variant type: single nucleotide variant.
Coding change: c.1426C>A on transcript NM_000264.5 (MANE Select); coding-DNA position 1426, C replaced by A.
Protein change: p.Leu476Met; replaces leucine 476 with methionine.
Molecular consequence: missense variant. On other transcripts: non-coding transcript variant (1), intron variant (1).
Genome position (GRCh38, 1-based): chr9:95,477,624, G>T on the plus strand (C>A on the coding strand, the complement: PTCH1 is on the minus strand). VCF-style: chr9-95477624-G-T. GRCh37 (hg19) VCF-style: chr9-98239906-G-T.
Other names: c.1228C>A, p.Leu410Met (NM_001083602.3); c.1423C>A, p.Leu475Met (NM_001083603.3); c.973C>A, p.Leu325Met (NM_001083604.3, NM_001083605.3, NM_001083606.3 and 1 more transcripts); c.1347+431C>A (NM_001354918.2); short protein forms L475M, L410M, L476M, L325M.
Identifiers: ClinVar variation 4146905 (VCV004146905.1).

ClinVar aggregate classification (germline): Uncertain significance (1 of 4 stars; one submission).

Conditions:
Hereditary cancer-predisposing syndrome. Also called: Hereditary neoplastic syndrome; Neoplastic Syndromes, Hereditary; Tumor predisposition; Hereditary Cancer Syndrome. Identifiers: Orphanet 140162, MedGen C0027672, MeSH D009386, MONDO:0015356.

Submission:

Ambry Genetics
Classification: Uncertain significance for Hereditary cancer-predisposing syndrome. Last evaluated: 2025-09-04. Review status: criteria provided, single submitter. Criteria: Ambry Variant Classification Scheme 2023. Collection method: clinical testing. Allele origin: germline.
Comment: The p.L476M variant (also known as c.1426C>A), located in coding exon 10 of the PTCH1 gene, results from a C to A substitution at nucleotide position 1426. The leucine at codon 476 is replaced by methionine, an amino acid with highly similar properties. This amino acid position is conserved. In addition, this alteration is predicted to be deleterious by in silico analysis. Based on the available evidence, the clinical significance of this variant remains unclear.